The following is an entry in ClinVar:

NM_018368.4(LMBRD1):c.1156C>T (p.Arg386Ter)

Gene: LMBRD1 (LMBR1 domain containing 1; minus strand). Cytogenetic location: 6q13.
Variant type: single nucleotide variant.
Coding change: c.1156C>T on transcript NM_018368.4 (MANE Select); coding-DNA position 1156, C replaced by T.
Protein change: p.Arg386Ter; replaces arginine 386 with a stop codon.
Molecular consequence: nonsense.
Genome position (GRCh38, 1-based): chr6:69,700,797, G>A on the plus strand (C>T on the coding strand, the complement: LMBRD1 is on the minus strand). VCF-style: chr6-69700797-G-A. GRCh37 (hg19) VCF-style: chr6-70410689-G-A.
Other names: c.937C>T, p.Arg313Ter (NM_001363722.2, NM_001367271.1, NM_001367272.1); short protein forms R313*, R386*.
Identifiers: ClinVar variation 847318 (VCV000847318.9), dbSNP rs1380343985, ClinGen allele CA364664297.

ClinVar aggregate classification (germline): Pathogenic (1 of 4 stars; one submission).

Conditions:
Methylmalonic aciduria and homocystinuria type cblF. Also called: VITAMIN B12 LYSOSOMAL RELEASE DEFECT; VITAMIN B12 STORAGE DISEASE; COBALAMIN F DISEASE; COBALAMIN, DEFECT IN LYSOSOMAL RELEASE OF; METHYLMALONIC ACIDEMIA AND HOMOCYSTINURIA, cblF TYPE; METHYLMALONIC ACIDURIA DUE TO VITAMIN B12-RELEASE DEFECT. Identifiers: Orphanet 79284, MedGen C1848578, MONDO:0010183, OMIM 277380.

Allele frequency attached by ClinVar (database versions not stated): gnomAD exomes below 0.00001; gnomAD 0.00001.
gnomAD v4.1: 7 of 1,507,944 alleles (0.00046%); highest among the groups gnomAD compares: African/African-American, 0.0014%; no homozygotes.

Submission:

Labcorp Genetics (formerly Invitae), Labcorp
Classification: Pathogenic for Methylmalonic aciduria and homocystinuria type cblF. Last evaluated: 2023-12-21. Review status: criteria provided, single submitter. Criteria: Invitae Variant Classification Sherloc (09022015). Collection method: clinical testing. Allele origin: germline.
Comment: This sequence change creates a premature translational stop signal (p.Arg386*) in the LMBRD1 gene. It is expected to result in an absent or disrupted protein product. Loss-of-function variants in LMBRD1 are known to be pathogenic (PMID: 19136951, 21303734). This variant is not present in population databases (gnomAD no frequency). This premature translational stop signal has been observed in individual(s) with methylmalonic aciduria and homocystinuria (PMID: 32552793). ClinVar contains an entry for this variant (Variation ID: 847318). For these reasons, this variant has been classified as Pathogenic.

Literature cited by the submitters: PubMed 19136951; PubMed 21303734; PubMed 32552793.